The following is an entry in ClinVar:

ClinVar aggregate classification (germline): Uncertain significance (1 of 4 stars; one submission).

Conditions:
Charcot-Marie-Tooth disease axonal type 2O. Also called: CHARCOT-MARIE-TOOTH NEUROPATHY, AXONAL, TYPE 2O; CHARCOT-MARIE-TOOTH DISEASE, AXONAL, AUTOSOMAL DOMINANT, TYPE 2O; Charcot-Marie-Tooth Neuropathy Type 2O; Charcot-Marie-Tooth disease, axonal, type 20. Identifiers: Orphanet 284232, MedGen C3280220, MONDO:0013644, OMIM 614228.

Submission:

Labcorp Genetics (formerly Invitae), Labcorp
Classification: Uncertain significance for Charcot-Marie-Tooth disease axonal type 2O. Last evaluated: 2019-03-22. Review status: criteria provided, single submitter. Criteria: Invitae Variant Classification Sherloc (09022015). Collection method: clinical testing. Allele origin: germline.
Comment: This sequence change replaces methionine with isoleucine at codon 1026 of the DYNC1H1 protein (p.Met1026Ile). The methionine residue is highly conserved and there is a small physicochemical difference between methionine and isoleucine. In summary, the available evidence is currently insufficient to determine the role of this variant in disease. Therefore, it has been classified as a Variant of Uncertain Significance. Algorithms developed to predict the effect of missense changes on protein structure and function are either unavailable or do not agree on the potential impact of this missense change (SIFT: "Deleterious"; PolyPhen-2: "Benign"; Align-GVGD: "Class C0"). This variant has not been reported in the literature in individuals with DYNC1H1-related conditions. This variant is not present in population databases (ExAC no frequency).

NM_001376.5(DYNC1H1):c.3078G>A (p.Met1026Ile)

Gene: DYNC1H1 (dynein cytoplasmic 1 heavy chain 1; plus strand). Cytogenetic location: 14q32.31.
Variant type: single nucleotide variant.
Coding change: c.3078G>A on transcript NM_001376.5 (MANE Select); coding-DNA position 3078, G replaced by A.
Protein change: p.Met1026Ile; replaces methionine 1026 with isoleucine.
Molecular consequence: missense variant.
Genome position (GRCh38, 1-based): chr14:101,994,246, G>A. VCF-style: chr14-101994246-G-A. GRCh37 (hg19) VCF-style: chr14-102460583-G-A.
Other names: short protein forms M1026I.
Identifiers: ClinVar variation 855797 (VCV000855797.9), dbSNP rs2048031667, ClinGen allele CA391032245.